The following is an entry in ClinVar:

NM_001211.6(BUB1B):c.1436A>C (p.Lys479Thr)

Gene: BUB1B (BUB1 mitotic checkpoint serine/threonine kinase B; plus strand). Cytogenetic location: 15q15.1.
Variant type: single nucleotide variant.
Coding change: c.1436A>C on transcript NM_001211.6 (MANE Select); coding-DNA position 1436, A replaced by C.
Protein change: p.Lys479Thr; replaces lysine 479 with threonine.
Molecular consequence: missense variant.
Genome position (GRCh38, 1-based): chr15:40,200,278, A>C. VCF-style: chr15-40200278-A-C. GRCh37 (hg19) VCF-style: chr15-40492479-A-C.
Other names: short protein forms K479T.
Identifiers: ClinVar variation 1772618 (VCV001772618.2), dbSNP rs2542556019, ClinGen allele CA391689770.

ClinVar aggregate classification (germline): Uncertain significance (1 of 4 stars; one submission).

Conditions:
Inborn genetic diseases. Identifiers: MedGen C0950123, MeSH D030342.

Submission:

Ambry Genetics
Classification: Uncertain significance for Inborn genetic diseases. Last evaluated: 2022-06-27. Review status: criteria provided, single submitter. Criteria: Ambry Variant Classification Scheme 2023. Collection method: clinical testing. Allele origin: germline.
Comment: The p.K479T variant (also known as c.1436A>C), located in coding exon 11 of the BUB1B gene, results from an A to C substitution at nucleotide position 1436. The lysine at codon 479 is replaced by threonine, an amino acid with similar properties. This amino acid position is conserved. In addition, this alteration is predicted to be tolerated by in silico analysis. Since supporting evidence is limited at this time, the clinical significance of this alteration remains unclear.